The following is an entry in ClinVar:

NM_030665.4(RAI1):c.5274C>T (p.Asp1758=)

Gene: RAI1 (retinoic acid induced 1; plus strand). Cytogenetic location: 17p11.2.
Variant type: single nucleotide variant.
Coding change: c.5274C>T on transcript NM_030665.4 (MANE Select); coding-DNA position 5274, C replaced by T.
Protein change: p.Asp1758=; no amino-acid change (aspartic acid 1758 retained).
Molecular consequence: synonymous variant.
Genome position (GRCh38, 1-based): chr17:17,798,222, C>T. VCF-style: chr17-17798222-C-T. GRCh37 (hg19) VCF-style: chr17-17701536-C-T.
Identifiers: ClinVar variation 1230497 (VCV001230497.16), dbSNP rs376688269, ClinGen allele CA8419127.

ClinVar aggregate classification (germline): Benign/Likely benign. Review status: criteria provided, multiple submitters, no conflicts (2 of 4 stars). 5 submissions from 5 submitters: Benign (2); Likely benign (2). 1 of the submissions does not count toward it. Last evaluated 2026-01-17.

Conditions:
RAI1-related disorder. Also called: RAI1-related condition.
Inborn genetic diseases. Identifiers: MedGen C0950123, MeSH D030342.

Allele frequency attached by ClinVar (database versions not stated): gnomAD 0.00001 and 0.00017; TOPMed 0.00004; gnomAD exomes 0.00037 and 0.00078; 1000 Genomes Project 0.00040; 1000 Genomes Project 30x 0.00078; ExAC 0.00098.

Submissions (5):

Labcorp Genetics (formerly Invitae), Labcorp
Classification: Benign. Last evaluated: 2026-01-17. Review status: criteria provided, single submitter. Criteria: Invitae Variant Classification Sherloc (09022015). Collection method: clinical testing. Allele origin: germline.

Blueprint Genetics
Classification: Likely benign. Last evaluated: 2023-10-31. Review status: criteria provided, single submitter. Criteria: ACMG Guidelines, 2015. Collection method: clinical testing. Allele origin: germline.

GeneDx
Classification: Benign. Last evaluated: 2021-04-15. Review status: criteria provided, single submitter. Criteria: GeneDx Variant Classification Process June 2021. Collection method: clinical testing. Allele origin: germline. Affected: yes.

Ambry Genetics
Classification: Likely benign for Inborn genetic diseases. Last evaluated: 2017-09-27. Review status: criteria provided, single submitter. Criteria: Ambry Variant Classification Scheme 2023. Collection method: clinical testing. Allele origin: germline.

PreventionGenetics, part of Exact Sciences
Classification: Benign for RAI1-related condition. Last evaluated: 2022-03-09. Review status: no assertion criteria provided. Collection method: clinical testing. Allele origin: germline. Not counted in ClinVar's aggregate classification.
Comment: This variant is classified as benign based on ACMG/AMP sequence variant interpretation guidelines (Richards et al. 2015 PMID: 25741868, with internal and published modifications).